The following is an entry in ClinVar:

ClinVar aggregate classification (germline): Conflicting classifications of pathogenicity. Review status: criteria provided, conflicting classifications (1 of 4 stars). 5 submissions from 5 submitters: Uncertain significance (1); Likely benign (4). Last evaluated 2026-01-30.

Conditions:
PTCH1-related disorder. Also called: PTCH1-related disorders; PTCH1-related condition.
Hereditary cancer-predisposing syndrome. Also called: Tumor predisposition; Neoplastic Syndromes, Hereditary; Hereditary Cancer Syndrome; Hereditary neoplastic syndrome. Identifiers: Orphanet 140162, MedGen C0027672, MeSH D009386, MONDO:0015356.
Gorlin syndrome. Also called: Basal cell nevus syndrome; Nevoid Basal Cell Carcinoma Syndrome. Identifiers: Orphanet 377, MedGen C0004779, MONDO:0007187.

Allele frequency attached by ClinVar (database versions not stated): gnomAD 0.00001; gnomAD exomes 0.00001; TOPMed 0.00001; ExAC 0.00002.
gnomAD v4.1: 15 of 1,614,070 alleles (0.00093%); highest among the groups gnomAD compares: South Asian, 0.0044%; no homozygotes.

Submissions (5):

PreventionGenetics, part of Exact Sciences
Classification: Likely benign for PTCH1-related condition. Last evaluated: 2026-01-30. Review status: criteria provided, single submitter. Criteria: ACMG Guidelines, 2015. Collection method: clinical testing. Allele origin: germline.
Comment: This variant is classified as likely benign based on ACMG/AMP sequence variant interpretation guidelines (Richards et al. 2015 PMID: 25741868, with internal and published modifications).

Labcorp Genetics (formerly Invitae), Labcorp
Classification: Likely benign for Gorlin syndrome. Last evaluated: 2025-12-18. Review status: criteria provided, single submitter. Criteria: Invitae Variant Classification Sherloc (09022015). Collection method: clinical testing. Allele origin: germline.

Quest Diagnostics Nichols Institute San Juan Capistrano
Classification: Uncertain significance. Last evaluated: 2025-08-21. Review status: criteria provided, single submitter. Criteria: Quest Diagnostics criteria. Collection method: clinical testing. Allele origin: unknown.
Comment: The PTCH1 c.526C>T (p.Leu176=) synonymous variant has not been reported in individuals with PTCH1-related conditions in the published literature. The frequency of this variant in the general population (Genome Aggregation Database) is uninformative in the assessment of its pathogenicity. Analysis of this variant using software algorithms for the prediction of the effect of nucleotide changes on splicing yielded predictions that this variant does not affect PTCH1 mRNA splicing. Based on the available information, we are unable to determine the clinical significance of this variant.

CeGaT Center for Human Genetics Tuebingen
Classification: Likely benign. Last evaluated: 2022-07-01. Review status: criteria provided, single submitter. Criteria: CeGaT Center For Human Genetics Tuebingen Variant Classification Criteria Version 2. Collection method: clinical testing. Allele origin: germline. Affected: yes. Observed: 1 variant allele.
Comment: PTCH1: BP4, BP7

Ambry Genetics
Classification: Likely benign for Hereditary cancer-predisposing syndrome. Last evaluated: 2021-02-18. Review status: criteria provided, single submitter. Criteria: Ambry Variant Classification Scheme 2023. Collection method: clinical testing. Allele origin: germline.

NM_000264.5(PTCH1):c.526C>T (p.Leu176=)

Gene: PTCH1 (patched 1; minus strand). Cytogenetic location: 9q22.32.
Variant type: single nucleotide variant.
Coding change: c.526C>T on transcript NM_000264.5 (MANE Select); coding-DNA position 526, C replaced by T.
Protein change: p.Leu176=; no amino-acid change (leucine 176 retained).
Molecular consequence: synonymous variant. On other transcripts: non-coding transcript variant (1).
Genome position (GRCh38, 1-based): chr9:95,485,743, G>A on the plus strand (C>T on the coding strand, the complement: PTCH1 is on the minus strand). VCF-style: chr9-95485743-G-A. GRCh37 (hg19) VCF-style: chr9-98248025-G-A.
Other names: c.328C>T, p.Leu110= (NM_001083602.3, NM_001354919.2); c.523C>T, p.Leu175= (NM_001083603.3); c.73C>T, p.Leu25= (NM_001083604.3, NM_001083605.3, NM_001083606.3 and 1 more transcripts); c.526C>T, p.Leu176= (NM_001354918.2); c.526C>T (NM_000264.4).
Identifiers: ClinVar variation 785840 (VCV000785840.39), dbSNP rs2066834, ClinGen allele CA5138929.